The following is an entry in ClinVar:

NM_000090.4(COL3A1):c.*43A>G

Gene: COL3A1 (collagen type III alpha 1 chain; plus strand). Cytogenetic location: 2q32.2.
Variant type: single nucleotide variant.
Coding change: c.*43A>G on transcript NM_000090.4 (MANE Select); 43 bases downstream of the stop codon, A replaced by G.
Molecular consequence: 3 prime UTR variant.
Genome position (GRCh38, 1-based): chr2:189,011,817, A>G. VCF-style: chr2-189011817-A-G. GRCh37 (hg19) VCF-style: chr2-189876543-A-G.
Identifiers: ClinVar variation 333073 (VCV000333073.7), dbSNP rs8224, ClinGen allele CA076590.
Genomic context (GRCh38, chr2:189,011,817, plus strand): 5'-CCTGTTTGCTTTTTATAAACCAAACTCTATCTGAAATCCCAACAAAAAAAATTTAACTCC[A>G]TATGTGTTCCTCTTGTTCTAATCTTGTCAACCAGTGCAAGTGACCGACAAAATTCCAGTT-3'

ClinVar aggregate classification (germline): Benign. Review status: criteria provided, multiple submitters, no conflicts (2 of 4 stars). 3 submissions from 3 submitters: Benign (3). Last evaluated 2018-06-14.

Conditions:
Ehlers-Danlos syndrome, type 4 (EDSVASC). Also called: Ehlers-Danlos Syndrome Type IV; Ehlers-Danlos syndrome vascular type; Ehlers Danlos syndrome, ecchymotic type; Ehlers Danlos syndrome, arterial type; Ehlers Danlos syndrome, Sack-Barabas type. Identifiers: Orphanet 286, MedGen C0268338, MONDO:0017314, OMIM 130050.

Allele frequency attached by ClinVar (database versions not stated): gnomAD 0.02368; TOPMed 0.02630; ESP Exome Variant Server 0.02660; 1000 Genomes Project 0.03155; 1000 Genomes Project 30x 0.03357.

Submissions (3):

GeneDx
Classification: Benign. Last evaluated: 2018-06-14. Review status: criteria provided, single submitter. Criteria: GeneDx Variant Classification Process June 2021. Collection method: clinical testing. Allele origin: germline. Affected: yes.

Illumina Laboratory Services, Illumina
Classification: Benign for Ehlers-Danlos syndrome, type 4. Last evaluated: 2018-01-13. Review status: criteria provided, single submitter. Criteria: ICSL Variant Classification Criteria 13 December 2019. Collection method: clinical testing. Allele origin: germline.
Comment: This variant was observed in the ICSL laboratory as part of a predisposition screen in an ostensibly healthy population. It had not been previously curated by ICSL or reported in the Human Gene Mutation Database (HGMD: prior to June 1st, 2018), and was therefore a candidate for classification through an automated scoring system. Utilizing variant allele frequency, disease prevalence and penetrance estimates, and inheritance mode, an automated score was calculated to assess if this variant is too frequent to cause the disease. Based on the score and internal cut-off values, a variant classified as benign is not then subjected to further curation. The score for this variant resulted in a classification of benign for this disease.

Breakthrough Genomics
Classification: Benign. Review status: criteria provided, single submitter. Criteria: ACMG Guidelines, 2015. Collection method: not provided. Allele origin: germline. Inheritance: Autosomal recessive inheritance. Affected: yes.